The following is an entry in ClinVar:

NM_002519.3(NPAT):c.607G>A (p.Ala203Thr)

Gene: NPAT (nuclear protein, coactivator of histone transcription; minus strand). Cytogenetic location: 11q22.3.
Variant type: single nucleotide variant.
Coding change: c.607G>A on transcript NM_002519.3 (MANE Select); coding-DNA position 607, G replaced by A.
Protein change: p.Ala203Thr; replaces alanine 203 with threonine.
Molecular consequence: missense variant.
Genome position (GRCh38, 1-based): chr11:108,188,129, C>T on the plus strand (G>A on the coding strand, the complement: NPAT is on the minus strand). VCF-style: chr11-108188129-C-T. GRCh37 (hg19) VCF-style: chr11-108058856-C-T.
Other names: c.607G>A, p.Ala203Thr (NM_001321307.1); short protein forms A203T.
Identifiers: ClinVar variation 1751440 (VCV001751440.2), dbSNP rs2496743190, ClinGen allele CA382523059.
Genomic context (GRCh38, chr11:108,188,129, plus strand): 5'-GTAACTTGTCTCTTTTAAAAAGCATTTACCTTTTGCGTCTACCGGGAGACATTAAACTGG[C>T]ATGTGCTTTCTTTTCCTGAGCACCAGGAATGACATTTAAAGCTTCTCCAGCTGTATTTCA-3'
Protein context (NP_002510.2, residues 193-213): IPGAQEKKAH[Ala203Thr]SLMSPGRRKS

ClinVar aggregate classification (germline): Uncertain significance (1 of 4 stars; one submission).

Allele frequency attached by ClinVar (database versions not stated): gnomAD exomes below 0.00001.
gnomAD v4.1: 2 of 1,613,080 alleles (0.00012%); highest among the groups gnomAD compares: Non-Finnish European, 0.00017%; no homozygotes.

Submission:

Ambry Genetics
Classification: Uncertain significance. Last evaluated: 2023-11-22. Review status: criteria provided, single submitter. Criteria: Ambry Variant Classification Scheme 2023. Collection method: clinical testing. Allele origin: germline.
Comment: The p.A203T variant (also known as c.607G>A), located in coding exon 7 of the NPAT gene, results from a G to A substitution at nucleotide position 607. The alanine at codon 203 is replaced by threonine, an amino acid with similar properties. This amino acid position is conserved. In addition, this alteration is predicted to be tolerated by in silico analysis. Since supporting evidence is limited at this time, the clinical significance of this alteration remains unclear.